The following is an entry in ClinVar:

NM_000202.8(IDS):c.896G>T (p.Ser299Ile)

Genes: IDS (iduronate 2-sulfatase; minus strand), LOC106050102 (IDS recombination region; plus strand). Cytogenetic location: Xq28.
Variant type: single nucleotide variant.
Coding change: c.896G>T on transcript NM_000202.8 (MANE Select); coding-DNA position 896, G replaced by T.
Protein change: p.Ser299Ile; replaces serine 299 with isoleucine.
Molecular consequence: missense variant. On other transcripts: non-coding transcript variant (1).
Genome position (GRCh38, 1-based): chrX:149,490,424, C>A on the plus strand (G>T on the coding strand, the complement: IDS is on the minus strand). VCF-style: chrX-149490424-C-A. GRCh37 (hg19) VCF-style: chrX-148571955-C-A.
Other names: c.626G>T, p.Ser209Ile (NM_001166550.4); c.896G>T, p.Ser299Ile (NM_006123.5); short protein forms S209I, S299I.
Identifiers: ClinVar variation 3255875 (VCV003255875.2).

ClinVar aggregate classification (germline): Likely pathogenic (1 of 4 stars; one submission).

Conditions:
Mucopolysaccharidosis, MPS-II (MPS2). Also called: Hunter Syndrome; IDURONATE 2-SULFATASE DEFICIENCY; Mucopolysaccharidosis Type II; Mucopolysaccharidosis type 2; Attenuated MPS (subtype; formerly known as mild MPS II); Severe MPS II. Identifiers: Orphanet 580, Orphanet 79388, MedGen C0026705, MONDO:0010674, OMIM 309900.

Submission:

Laboratory of Diagnosis and Therapy of Lysosomal Disorders, University of Padova
Classification: Likely pathogenic for Mucopolysaccharidosis, MPS-II. Last evaluated: 2024-06-07. Review status: criteria provided, single submitter. Criteria: ACMG Guidelines, 2015. Collection method: literature only. Allele origin: germline. Affected: yes. Observed: 1 variant allele.
Comment: Absent from controls (or at low frequency) in gnomAD database (PM2_Moderate), Missense variant in a gene with a low rate of benign missense variation (PP2_Supporting), Multiple lines of computational evidence support a deleterious effect (PP3_Supporting), Patient’s phenotype or family history highly specific for the disease (PP4_Moderate)

Classification method: ACMG Guidelines [PMID:25741868] with modifications

Literature cited by the submitters: PubMed 12655569; PubMed 21291454.